The following is an entry in ClinVar:

ClinVar aggregate classification (germline): Conflicting classifications of pathogenicity. Review status: criteria provided, conflicting classifications (1 of 4 stars). 3 submissions from 3 submitters: Pathogenic (1); Likely pathogenic (1); Uncertain significance (1). Last evaluated 2025-10-02.

Conditions:
Isolated focal cortical dysplasia type II (FCORD2). Also called: CORTICAL DYSPLASIA OF TAYLOR; Focal cortical dysplasia type II. Identifiers: Orphanet 268994, MedGen C1846385, MONDO:0011818, OMIM 607341, HP:0032051.
Tuberous sclerosis 1 (TSC1). Identifiers: Orphanet 805, MedGen C1854465, MONDO:0008612, OMIM 191100.

Submissions (3):

GeneDx
Classification: Likely pathogenic. Last evaluated: 2025-10-02. Review status: criteria provided, single submitter. Criteria: GeneDx Variant Classification Process June 2021. Collection method: clinical testing. Allele origin: germline.
Comment: Canonical splice site variant predicted to result in an in-frame loss of the adjacent exon in a gene for which loss of function is a known mechanism of disease; Not observed at significant frequency in large population cohorts (gnomAD); Deletions involving coding exons of this gene are a known mechanism of disease (HGMD); Has not been previously published as pathogenic or benign to our knowledge; This variant is associated with the following publications: (PMID: 18466115)

Department of Clinical Genetics, Copenhagen University Hospital, Rigshospitalet
Classification: Pathogenic for Isolated focal cortical dysplasia type II. Last evaluated: 2024-07-31. Review status: criteria provided, single submitter. Criteria: ACMG Guidelines, 2015. Collection method: clinical testing. Allele origin: germline.
Comment: PVS1_Str, PS2_Str, PP3_M, PM2_Sup

Labcorp Genetics (formerly Invitae), Labcorp
Classification: Uncertain significance for Tuberous sclerosis 1. Last evaluated: 2021-03-01. Review status: criteria provided, single submitter. Criteria: Invitae Variant Classification Sherloc (09022015). Collection method: clinical testing. Allele origin: germline.
Comment: This sequence change affects a donor splice site in intron 18 of the TSC1 gene. It is expected to disrupt RNA splicing. Variants that disrupt the donor or acceptor splice site typically lead to a loss of protein function (PMID: 16199547). This variant is not present in population databases (ExAC no frequency). This variant has not been reported in the literature in individuals with TSC1-related conditions. Algorithms developed to predict the effect of sequence changes on RNA splicing suggest that this variant may disrupt the consensus splice site, but this prediction has not been confirmed by published transcriptional studies. In summary, the available evidence is currently insufficient to determine the role of this variant in disease. Therefore, it has been classified as a Variant of Uncertain Significance.

Literature cited by the submitters: PubMed 16199547 (cited by Labcorp Genetics (formerly Invitae), Labcorp).

NM_000368.5(TSC1):c.2391+1G>A

Gene: TSC1 (TSC complex subunit 1; minus strand). Cytogenetic location: 9q34.13.
Variant type: single nucleotide variant.
Coding change: c.2391+1G>A on transcript NM_000368.5 (MANE Select); the canonical splice donor site of the intron after coding-DNA position 2391, G replaced by A.
Molecular consequence: splice donor variant.
Genome position (GRCh38, 1-based): chr9:132,902,604, C>T on the plus strand (G>A on the coding strand, the complement: TSC1 is on the minus strand). VCF-style: chr9-132902604-C-T. GRCh37 (hg19) VCF-style: chr9-135777991-C-T.
Other names: c.2025+1G>A (NM_001406620.1, NM_001406625.1, NM_001406621.1 and 2 more transcripts); c.2028+1G>A (NM_001406618.1, NM_001406617.1, NM_001406619.1 and 5 more transcripts); c.2235+1G>A (NM_001406613.1, NM_001406612.1, NM_001406611.1); c.2238+1G>A (NM_001406610.1, NM_001162427.2); c.1437+1G>A (NM_001406627.1, NM_001406628.1); c.1338+1G>A (NM_001406629.1, NM_001406630.1); c.2373+1G>A (NM_001406603.1, NM_001406604.1); c.2388+1G>A (NM_001406609.1, NM_001406597.1, NM_001406600.1 and 4 more transcripts); and 3 more.
Identifiers: ClinVar variation 1469299 (VCV001469299.11), dbSNP rs1060503224, ClinGen allele CA375358973.